The following is an entry in ClinVar:

NM_001048174.2(MUTYH):c.473T>C (p.Leu158Pro)

Gene: MUTYH (mutY DNA glycosylase; minus strand). Cytogenetic location: 1p34.1.
Variant type: single nucleotide variant.
Coding change: c.473T>C on transcript NM_001048174.2 (MANE Select); coding-DNA position 473, T replaced by C.
Protein change: p.Leu158Pro; replaces leucine 158 with proline.
Molecular consequence: missense variant. On other transcripts: non-coding transcript variant (7).
Genome position (GRCh38, 1-based): chr1:45,332,782, A>G on the plus strand (T>C on the coding strand, the complement: MUTYH is on the minus strand). VCF-style: chr1-45332782-A-G. GRCh37 (hg19) VCF-style: chr1-45798454-A-G.
Other names: c.473T>C, p.Leu158Pro (NM_001048171.2, NM_001048173.2, NM_001293195.2 and 6 more transcripts); c.476T>C, p.Leu159Pro (NM_001048172.2, NM_001407071.1, NM_001407078.1 and 1 more transcripts); c.557T>C, p.Leu186Pro (NM_001128425.2); c.518T>C, p.Leu173Pro (NM_001293190.2); c.506T>C, p.Leu169Pro (NM_001293191.2, NM_001407069.1, NM_001407077.1); c.197T>C, p.Leu66Pro (NM_001293192.2, NM_001293196.2, NM_001407091.1); c.128T>C, p.Leu43Pro (NM_001350650.2, NM_001350651.2, NM_001407082.1); c.389T>C, p.Leu130Pro (NM_001407075.1); and 5 more; short protein forms L158P, L159P, L145P, L165P, L173P, L183P, L66P, L130P.
Identifiers: ClinVar variation 2567657 (VCV002567657.3), dbSNP rs1309501452, ClinGen allele CA340135613.
Genomic context (GRCh38, chr1:45,332,782, plus strand): 5'-CCCAAGACTCCTGGGTTCCTACCCTCCTGCCATCCCCTTACCTTCCGAGCTCCCTCCTGC[A>G]GCCGCCGGCCACGAGAATAGTAGCCCAGGCCAGCCCAGAGTTGATTCACCTCCTGTGGGT-3'
Protein context (NP_001041639.1, residues 148-168): GLGYYSRGRR[Leu158Pro]QEGARKVVEE

ClinVar aggregate classification (germline): Likely pathogenic (1 of 4 stars; one submission).

Conditions:
Hereditary cancer-predisposing syndrome. Also called: Hereditary neoplastic syndrome; Hereditary Cancer Syndrome; Neoplastic Syndromes, Hereditary; Tumor predisposition. Identifiers: Orphanet 140162, MedGen C0027672, MeSH D009386, MONDO:0015356.

Allele frequency attached by ClinVar (database versions not stated): gnomAD exomes below 0.00001.

Submission:

Ambry Genetics
Classification: Likely pathogenic for Hereditary cancer-predisposing syndrome. Last evaluated: 2025-08-15. Review status: criteria provided, single submitter. Criteria: Ambry Variant Classification Scheme 2023. Collection method: clinical testing. Allele origin: germline.
Comment: The p.L186P variant (also known as c.557T>C), located in coding exon 7 of the MUTYH gene, results from a T to C substitution at nucleotide position 557. The leucine at codon 186 is replaced by proline, an amino acid with similar properties. In a massively parallel cell-based functional assay testing 7,8-dihydro-8- oxoguanine:adenine (8OG:A) repair activity, a byproduct of oxidative damage, this variant was reported to be non-functional (Hemker SL et al. Am J Hum Genet. Published online July 29, 2025. DOI: 10.1016/j.ajhg.2025.07.005). This amino acid position is highly conserved in available vertebrate species. In addition, this alteration is predicted to be deleterious by in silico analysis. This variant is considered to be rare based on population cohorts in the Genome Aggregation Database (gnomAD). Based on the majority of available evidence to date, this variant is likely to be pathogenic.

Literature cited by the submitters: PubMed 40738107.